The following is an entry in ClinVar:

ClinVar aggregate classification (germline): Uncertain significance. Review status: criteria provided, multiple submitters, no conflicts (2 of 4 stars). 3 submissions from 3 submitters: Uncertain significance (3). Last evaluated 2026-09-04.

Conditions:
Familial thoracic aortic aneurysm and aortic dissection (TAAD). Also called: Thoracic aortic aneurysms and dissections. Identifiers: Orphanet 91387, MedGen C4707243, MONDO:0019625.

Allele frequency attached by ClinVar (database versions not stated): gnomAD exomes below 0.00001.

Submissions (3):

Ambry Genetics
Classification: Uncertain significance for Familial thoracic aortic aneurysm and aortic dissection. Last evaluated: 2026-09-04. Review status: criteria provided, single submitter. Criteria: Ambry Variant Classification Scheme 2023. Collection method: clinical testing. Allele origin: germline.
Comment: The p.A323V variant (also known as c.968C>T), located in coding exon 7 of the ACTA2 gene, results from a C to T substitution at nucleotide position 968. The alanine at codon 323 is replaced by valine, an amino acid with similar properties. This amino acid position is conserved. In addition, this alteration is predicted to be deleterious by in silico analysis. Based on the available evidence, the clinical significance of this variant remains unclear.

All of Us Research Program, National Institutes of Health
Classification: Uncertain significance for Familial thoracic aortic aneurysm and aortic dissection. Last evaluated: 2023-11-30. Review status: criteria provided, single submitter. Criteria: ACMG Guidelines, 2015. Collection method: clinical testing. Allele origin: germline. Inheritance: Autosomal dominant inheritance. Observed: 1 variant allele, 1 heterozygote.
Comment: This missense variant replaces alanine with valine at codon 323 of the ACTA2 protein. Computational prediction is inconclusive regarding the impact of this variant on protein structure and function (internally defined REVEL score threshold 0.5 < inconclusive < 0.7, PMID: 27666373). To our knowledge, functional studies have not been reported for this variant. This variant has not been reported in individuals affected with cardiovascular disorders in the literature. This variant has been identified in 1/250928 chromosomes in the general population by the Genome Aggregation Database (gnomAD). The available evidence is insufficient to determine the role of this variant in disease conclusively. Therefore, this variant is classified as a Variant of Uncertain Significance.

This study involves interpretation of variants in research participants for the purpose of population health screening. Participant phenotype was not available at the time of variant classification. Additional details can be found in publication PMID: 35346344, PMCID: PMC8962531

Blueprint Genetics
Classification: Uncertain significance. Last evaluated: 2020-02-03. Review status: criteria provided, single submitter. Criteria: ACMG Guidelines, 2015. Collection method: clinical testing. Allele origin: germline.

NM_001613.4(ACTA2):c.968C>T (p.Ala323Val)

Genes: ACTA2 (actin alpha 2, smooth muscle; minus strand), ACTA2-AS1 (ACTA2 antisense RNA 1; plus strand). Cytogenetic location: 10q23.31.
Variant type: single nucleotide variant.
Coding change: c.968C>T on transcript NM_001613.4 (MANE Select); coding-DNA position 968, C replaced by T.
Protein change: p.Ala323Val; replaces alanine 323 with valine.
Molecular consequence: missense variant.
Genome position (GRCh38, 1-based): chr10:88,938,083, G>A on the plus strand (C>T on the coding strand, the complement: ACTA2 is on the minus strand). VCF-style: chr10-88938083-G-A. GRCh37 (hg19) VCF-style: chr10-90697840-G-A.
Other names: c.968C>T, p.Ala323Val (NM_001141945.3, NM_001320855.2, NM_001406462.1 and 2 more transcripts); c.857C>T, p.Ala286Val (NM_001406466.1); c.839C>T, p.Ala280Val (NM_001406467.1, NM_001406468.1, NM_001406469.1); c.776C>T, p.Ala259Val (NM_001406471.1); short protein forms A259V, A280V, A286V, A323V.
Identifiers: ClinVar variation 3075536 (VCV003075536.4), dbSNP rs1208235103, ClinGen allele CA377510690.